The following is an entry in ClinVar:

NM_007294.4(BRCA1):c.143del (p.Met48fs)

Gene: BRCA1 (BRCA1 DNA repair associated; minus strand). Cytogenetic location: 17q21.31.
Variant type: Deletion.
Coding change: c.143del on transcript NM_007294.4 (MANE Select); coding-DNA position 143, one base deleted (T; older notation c.143delT).
Protein change: p.Met48fs; shifts the reading frame from methionine 48.
Molecular consequence: frameshift variant. On other transcripts: initiator codon variant (1), non-coding transcript variant (1).
Genome position (GRCh38, 1-based): chr17:43,106,525, A deleted on the plus strand (T on the coding strand, the reverse complement: BRCA1 is on the minus strand). VCF-style (leftmost placement, unchanged base first): chr17-43106524-CA-C. GRCh37 (hg19) VCF-style: chr17-41258541-CA-C.
Other names: p.Met48Serfs*2; 262delT; c.-46delT (NM_001408509.1, NM_001408513.1, NM_001408514.1 and 58 more transcripts); c.2delT, p.Met1Serfs (NM_001408511.1, NM_001407692.1, NM_001407694.1 and 98 more transcripts); c.2del, p.Met1fs (NM_007297.4); c.143delT, p.Met48Serfs (NM_007298.4, NM_007304.2, NM_001407581.1 and 166 more transcripts); c.143del, p.Met48fs (NM_007299.4, NM_007300.4); short protein forms M48fs, M1fs.
Identifiers: ClinVar variation 37412 (VCV000037412.38), dbSNP rs80357637, ClinGen allele CA000963.

ClinVar aggregate classification (germline): Pathogenic. Review status: reviewed by expert panel (3 of 4 stars). 14 submissions from 14 submitters: Pathogenic (1). 13 of the submissions do not count toward it. Last evaluated 2016-09-08.

Conditions:
Hereditary cancer-predisposing syndrome. Also called: Tumor predisposition; Neoplastic Syndromes, Hereditary; Hereditary Cancer Syndrome; Hereditary neoplastic syndrome. Identifiers: Orphanet 140162, MedGen C0027672, MeSH D009386, MONDO:0015356.
Hereditary breast ovarian cancer syndrome. Also called: Hereditary breast and ovarian cancer syndrome (HBOC); Hereditary breast and ovarian cancer syndrome; Hereditary breast and ovarian cancer; Hereditary breast and/or ovarian cancer syndrome; Breast and ovarian cancer; BRCA1- and BRCA2-Associated Hereditary Breast and Ovarian Cancer. Identifiers: Orphanet 145, MedGen C0677776, MeSH D061325, MONDO:0003582. Disease mechanism: loss of function.
Breast-ovarian cancer, familial, susceptibility to, 1 (BROVCA1). Also called: OVARIAN CANCER, SUSCEPTIBILITY TO; BRCA1 Hereditary Breast and Ovarian Cancer. Identifiers: Orphanet 145, MedGen C2676676, MONDO:0011450, OMIM 604370. Disease mechanism: loss of function.

Allele frequency attached by ClinVar (database versions not stated): gnomAD exomes below 0.00001.

Submissions (14):

Evidence-based Network for the Interpretation of Germline Mutant Alleles (ENIGMA)
Classification: Pathogenic for Breast-ovarian cancer, familial, susceptibility to, 1. Last evaluated: 2016-09-08. Review status: reviewed by expert panel. Criteria: ENIGMA BRCA1/2 Classification Criteria (2015). Collection method: curation. Allele origin: germline.
Comment: Variant allele predicted to encode a truncated non-functional protein.

Ambry Genetics
Classification: Pathogenic for Hereditary cancer-predisposing syndrome. Last evaluated: 2025-12-04. Review status: criteria provided, single submitter. Criteria: Ambry Variant Classification Scheme 2023. Collection method: clinical testing. Allele origin: germline. Not counted in ClinVar's aggregate classification.
Comment: The c.143delT (p.M48Sfs*2) alteration, located in exon 4 (coding exon 3) of the BRCA1 gene, consists of a deletion of one nucleotide at position 143, causing a translational frameshift with a predicted alternate stop codon after 2 amino acids. This alteration is expected to result in loss of function by premature protein truncation or nonsense-mediated mRNA decay. This variant was not reported in population-based cohorts in the Genome Aggregation Database (gnomAD). This variant has been reported in several patients with ovarian cancer (Spearman, 2008; Foley, 2015; Carter, 2018). This variant was also reported in 2/50726 patients from an unselected population cohort from a single health system who underwent exome sequencing (Manickam, 2018). Based on the available evidence, this alteration is classified as pathogenic.

Labcorp Genetics (formerly Invitae), Labcorp
Classification: Pathogenic for Hereditary breast ovarian cancer syndrome. Last evaluated: 2025-10-12. Review status: criteria provided, single submitter. Criteria: Invitae Variant Classification Sherloc (09022015). Collection method: clinical testing. Allele origin: germline. Not counted in ClinVar's aggregate classification.
Comment: This sequence change creates a premature translational stop signal (p.Met48Serfs*2) in the BRCA1 gene. It is expected to result in an absent or disrupted protein product. Loss-of-function variants in BRCA1 are known to be pathogenic (PMID: 20104584). This variant is not present in population databases (gnomAD no frequency). This premature translational stop signal has been observed in individual(s) with ovarian cancer (PMID: 26023681). This variant is also known as 262delT. ClinVar contains an entry for this variant (Variation ID: 37412). For these reasons, this variant has been classified as Pathogenic.

Mayo Clinic Laboratories, Mayo Clinic
Classification: Pathogenic. Last evaluated: 2025-08-01. Review status: criteria provided, single submitter. Criteria: ACMG Guidelines, 2015. Collection method: clinical testing. Allele origin: germline. Observed: 1 variant allele. Not counted in ClinVar's aggregate classification.
Comment: PM2_supporting, PM5_strong, PVS1

GeneDx
Classification: Pathogenic. Last evaluated: 2025-06-09. Review status: criteria provided, single submitter. Criteria: GeneDx Variant Classification Process June 2021. Collection method: clinical testing. Allele origin: germline. Affected: yes. Not counted in ClinVar's aggregate classification.
Comment: Frameshift variant predicted to result in protein truncation or nonsense mediated decay in a gene for which loss of function is a known mechanism of disease; Observed in individuals with a personal or family history consistent with pathogenic variants in this gene (PMID: 19340607, 30322717); Truncating variants in this gene are considered pathogenic by a well-established clinical consortium and/or database; Not observed at significant frequency in large population cohorts (gnomAD); Also known as 262delT; This variant is associated with the following publications: (PMID: 28152038, 16267036, 18824701, 26023681, 30787465, 31409081, 32741062, 30322717, 19340607)

Color Diagnostics, LLC DBA Color Health
Classification: Pathogenic for Hereditary cancer-predisposing syndrome. Last evaluated: 2024-08-12. Review status: criteria provided, single submitter. Criteria: ACMG Guidelines, 2015. Collection method: clinical testing. Allele origin: germline. Not counted in ClinVar's aggregate classification.
Comment: This variant deletes 1 nucleotide in exon 4 of the BRCA1 gene, creating a frameshift and premature translation stop signal. This variant is expected to result in an absent or non-functional protein product. To our knowledge, functional studies have not been reported for this variant. This variant has been reported in individuals affected with ovarian cancer (PMID: 1882470, 26023681, 28145423, 30322717). This variant has not been identified in the general population by the Genome Aggregation Database (gnomAD). Loss of BRCA1 function is a known mechanism of disease. Based on the available evidence, this variant is classified as Pathogenic.

Quest Diagnostics Nichols Institute San Juan Capistrano
Classification: Pathogenic. Last evaluated: 2023-05-01. Review status: criteria provided, single submitter. Criteria: Quest Diagnostics criteria. Collection method: clinical testing. Allele origin: unknown. Not counted in ClinVar's aggregate classification.
Comment: This frameshift variant alters the translational reading frame of the BRCA1 mRNA and causes the premature termination of BRCA1 protein synthesis. This variant has not been reported in large, multi-ethnic general populations. In the published literature, the variant has been reported in individuals with ovarian cancer (PMID: 30322717 (2018), 26023681 (2015)). The variant has also been described in a world-wide study of BRCA1 and BRCA2 mutations carriers (PMID: 29446198 (2018)). Based on the available information, this variant is classified as pathogenic.

Baylor Genetics
Classification: Pathogenic for Breast-ovarian cancer, familial, susceptibility to, 1. Last evaluated: 2022-03-31. Review status: criteria provided, single submitter. Criteria: ACMG Guidelines, 2015. Collection method: clinical testing. Allele origin: unknown. Not counted in ClinVar's aggregate classification.

Women's Health and Genetics/Laboratory Corporation of America, LabCorp
Classification: Pathogenic for Hereditary breast ovarian cancer syndrome. Last evaluated: 2021-12-13. Review status: criteria provided, single submitter. Criteria: LabCorp Variant Classification Summary - May 2015. Collection method: clinical testing. Allele origin: germline. Not counted in ClinVar's aggregate classification.
Comment: Variant summary: BRCA1 c.143delT (p.Met48SerfsX2) results in a premature termination codon, predicted to cause a truncation of the encoded protein or absence of the protein due to nonsense mediated decay, which are commonly known mechanisms for disease. Truncations downstream of this position have been classified as pathogenic by our laboratory. The variant was absent in 250126 control chromosomes (gnomAD). c.143delT has been reported in the literature in multiple individuals affected with Hereditary Breast and Ovarian Cancer Syndrome (examples: Judkins 2005, Spearman 2008, Foley 2014). These data indicate that the variant is associated with disease. To our knowledge, no experimental evidence demonstrating an impact on protein function has been reported. Seven clinical diagnostic laboratories and an expert panel (ENIGMA) have submitted clinical-significance assessments for this variant to ClinVar after 2014 and all classified the variant as pathogenic. Based on the evidence outlined above, the variant was classified as pathogenic.

Laboratory for Molecular Medicine, Mass General Brigham Personalized Medicine
Classification: Pathogenic for Hereditary breast ovarian cancer syndrome. Last evaluated: 2016-08-15. Review status: criteria provided, single submitter. Criteria: LMM Criteria. Collection method: clinical testing. Allele origin: germline. Inheritance: Autosomal dominant inheritance. Observed: 2 variant alleles. Not counted in ClinVar's aggregate classification.
Comment: The p.Met48fs variant in BRCA1 has been reported in at least 6 individuals with BRCA1-associated cancers (Foley 2015, Breast Cancer Information Core (BIC) datab ase) and was absent from large population studies. This variant is predicted to cause a frameshift, which alters the protein?s amino acid sequence beginning at position 48 and leads to a premature termination codon 2 amino acids downstream. Heterozygous loss of function of the BRCA1 gene is an established disease mecha nism in individuals with hereditary breast and ovarian cancer (HBOC). Additional ly, the p.Met48fs variant was classified as Pathogenic on September 8, 2016 by t he ClinGen-approved ENIGMA expert panel (ClinVar SCV000299413.2). In summary, th is variant meets our criteria to be classified as pathogenic for HBOC in an auto somal dominant manner.

Consortium of Investigators of Modifiers of BRCA1/2 (CIMBA), c/o University of Cambridge
Classification: Pathogenic for Breast-ovarian cancer, familial, susceptibility to, 1. Last evaluated: 2015-10-02. Review status: criteria provided, single submitter. Criteria: CIMBA Mutation Classification guidelines May 2016. Collection method: clinical testing. Allele origin: germline. Not counted in ClinVar's aggregate classification.

Research Molecular Genetics Laboratory, Women's College Hospital, University of Toronto
Classification: Pathogenic for Hereditary breast ovarian cancer syndrome. Last evaluated: 2014-01-31. Review status: no assertion criteria provided. Collection method: research. Allele origin: germline. Affected: yes. Study: The Canadian Open Genetics Repository (COGR). Not counted in ClinVar's aggregate classification.

Sharing Clinical Reports Project (SCRP)
Classification: Pathogenic for Breast-ovarian cancer, familial 1. Last evaluated: 2012-08-30. Review status: no assertion criteria provided. Collection method: clinical testing. Allele origin: germline. Not counted in ClinVar's aggregate classification.

Breast Cancer Information Core (BIC) (BRCA1)
Classification: Pathogenic for Breast-ovarian cancer, familial 1. Last evaluated: 2002-05-29. Review status: no assertion criteria provided. Collection method: clinical testing. Allele origin: germline. Affected: yes. Observed: 6 variant alleles. Not counted in ClinVar's aggregate classification.

Literature cited by the submitters: PubMed 18824701 (cited by 3 submitters); PubMed 26023681 (cited by 7 submitters); PubMed 30322717 (cited by 3 submitters); PubMed 30646163 (cited by Ambry Genetics and Quest Diagnostics Nichols Institute San Juan Capistrano); PubMed 20104584 (cited by Labcorp Genetics (formerly Invitae), Labcorp); PubMed 28145423 (cited by Mayo Clinic Laboratories, Mayo Clinic and Color Diagnostics, LLC DBA Color Health); PubMed 1882470 (cited by Color Diagnostics, LLC DBA Color Health); PubMed 29446198 (cited by Quest Diagnostics Nichols Institute San Juan Capistrano); PubMed 19340607 (cited by Quest Diagnostics Nichols Institute San Juan Capistrano and Women's Health and Genetics/Laboratory Corporation of America, LabCorp); PubMed 16267036 (cited by Quest Diagnostics Nichols Institute San Juan Capistrano and Women's Health and Genetics/Laboratory Corporation of America, LabCorp).